The following is an entry in ClinVar:

NM_000256.3(MYBPC3):c.901A>C (p.Lys301Gln)

Gene: MYBPC3 (myosin binding protein C3; minus strand). Cytogenetic location: 11p11.2.
Variant type: single nucleotide variant.
Coding change: c.901A>C on transcript NM_000256.3 (MANE Select); coding-DNA position 901, A replaced by C.
Protein change: p.Lys301Gln; replaces lysine 301 with glutamine.
Molecular consequence: missense variant.
Genome position (GRCh38, 1-based): chr11:47,347,430, T>G on the plus strand (A>C on the coding strand, the complement: MYBPC3 is on the minus strand). VCF-style: chr11-47347430-T-G. GRCh37 (hg19) VCF-style: chr11-47368981-T-G.
Other names: short protein forms K301Q.
Identifiers: ClinVar variation 1509120 (VCV001509120.9), dbSNP rs730880629, ClinGen allele CA380333200.

ClinVar aggregate classification (germline): Uncertain significance. Review status: criteria provided, multiple submitters, no conflicts (2 of 4 stars). 4 submissions from 4 submitters: Uncertain significance (4). Last evaluated 2025-04-23.

Conditions:
Hypertrophic cardiomyopathy 4. Also called: Familial hypertrophic cardiomyopathy 4. Identifiers: MedGen C1861862, MONDO:0007268, OMIM 115197.
Left ventricular noncompaction 10 (LVNC10). Identifiers: Orphanet 154, Orphanet 54260, MedGen C3715165, MONDO:0014163, OMIM 615396.
Cardiomyopathy (CMYO). Also called: Cardiomyopathies. Identifiers: Orphanet 167848, MedGen C0878544, MONDO:0004994, HP:0001638. Inheritance: Various modes of inheritance.
Hypertrophic cardiomyopathy. Also called: HYPERTROPHIC MYOCARDIOPATHY. Identifiers: Orphanet 217569, MedGen C0007194, MeSH D002312, MONDO:0005045, HP:0001639.

Allele frequency attached by ClinVar (database versions not stated): gnomAD 0.00001; TOPMed below 0.00001.

Submissions (4):

Labcorp Genetics (formerly Invitae), Labcorp
Classification: Uncertain significance for Hypertrophic cardiomyopathy. Last evaluated: 2025-04-23. Review status: criteria provided, single submitter. Criteria: Invitae Variant Classification Sherloc (09022015). Collection method: clinical testing. Allele origin: germline.
Comment: This sequence change replaces lysine, which is basic and polar, with glutamine, which is neutral and polar, at codon 301 of the MYBPC3 protein (p.Lys301Gln). This variant is present in population databases (no rsID available, gnomAD 0.008%). This variant has not been reported in the literature in individuals affected with MYBPC3-related conditions. ClinVar contains an entry for this variant (Variation ID: 1509120). An algorithm developed to predict the effect of missense changes on protein structure and function (PolyPhen-2) suggests that this variant is likely to be disruptive. In summary, the available evidence is currently insufficient to determine the role of this variant in disease. Therefore, it has been classified as a Variant of Uncertain Significance.

All of Us Research Program, National Institutes of Health
Classification: Uncertain significance for Hypertrophic cardiomyopathy. Last evaluated: 2024-05-14. Review status: criteria provided, single submitter. Criteria: ACMG Guidelines, 2015. Collection method: clinical testing. Allele origin: germline. Inheritance: Autosomal dominant inheritance. Observed: 1 variant allele, 1 heterozygote.
Comment: This missense variant replaces lysine with glutamine at codon 301 of the MYBPC3 protein. Computational prediction suggests that this variant may not impact protein structure and function (internally defined REVEL score threshold <= 0.5, PMID: 27666373). To our knowledge, functional studies have not been reported for this variant. This variant has not been reported in individuals affected with MYBPC3-related disorders in the literature. This variant has been identified in 1/208008 chromosomes in the general population by the Genome Aggregation Database (gnomAD). The available evidence is insufficient to determine the role of this variant in disease conclusively. Therefore, this variant is classified as a Variant of Uncertain Significance.

This study involves interpretation of variants in research participants for the purpose of population health screening. Participant phenotype was not available at the time of variant classification. Additional details can be found in publication PMID: 35346344, PMCID: PMC8962531

Color Diagnostics, LLC DBA Color Health
Classification: Uncertain significance for Cardiomyopathy. Last evaluated: 2024-04-24. Review status: criteria provided, single submitter. Criteria: ACMG Guidelines, 2015. Collection method: clinical testing. Allele origin: germline.
Comment: This missense variant replaces lysine with glutamine at codon 301 of the MYBPC3 protein. Computational prediction suggests that this variant may not impact protein structure and function. To our knowledge, functional studies have not been reported for this variant. This variant has not been reported in individuals affected with MYBPC3-related disorders in the literature. This variant has been identified in 1/208008 chromosomes in the general population by the Genome Aggregation Database (gnomAD). The available evidence is insufficient to determine the role of this variant in disease conclusively. Therefore, this variant is classified as a Variant of Uncertain Significance.

Fulgent Genetics
Classification: Uncertain significance for Hypertrophic cardiomyopathy 4; Left ventricular noncompaction 10. Last evaluated: 2021-09-03. Review status: criteria provided, single submitter. Criteria: ACMG Guidelines, 2015. Collection method: clinical testing. Allele origin: unknown.